The following is an entry in ClinVar:

ClinVar aggregate classification (germline): Uncertain significance (1 of 4 stars; one submission).

Conditions:
SEMA3F-related disorder. Also called: SEMA3F-related condition.

Submission:

PreventionGenetics, part of Exact Sciences
Classification: Uncertain significance for SEMA3F-related condition. Last evaluated: 2026-04-21. Review status: criteria provided, single submitter. Criteria: ACMG Guidelines, 2015. Collection method: clinical testing. Allele origin: germline.
Comment: The SEMA3F c.2216T>G variant is predicted to result in the amino acid substitution p.Val739Gly. To our knowledge, this variant has not been reported in the literature or in a large population database (gnomAD), indicating this variant is rare. At this time, the clinical significance of this variant is uncertain due to the absence of conclusive functional and genetic evidence.

NM_004186.5(SEMA3F):c.2216T>G (p.Val739Gly)

Gene: SEMA3F (semaphorin 3F; plus strand). Cytogenetic location: 3p21.31.
Variant type: single nucleotide variant.
Coding change: c.2216T>G on transcript NM_004186.5 (MANE Select); coding-DNA position 2216, T replaced by G.
Protein change: p.Val739Gly; replaces valine 739 with glycine.
Molecular consequence: missense variant.
Genome position (GRCh38, 1-based): chr3:50,187,973, T>G. VCF-style: chr3-50187973-T-G. GRCh37 (hg19) VCF-style: chr3-50225406-T-G.
Other names: c.1919T>G, p.Val640Gly (NM_001318798.2); c.2123T>G, p.Val708Gly (NM_001318800.2); short protein forms V640G, V708G, V739G.
Identifiers: ClinVar variation 4995771 (VCV004995771.1).